The following is an entry in ClinVar:

ClinVar aggregate classification (germline): Likely pathogenic (1 of 4 stars; one submission).

Conditions:
Dilated cardiomyopathy 1G (CMD1G). Identifiers: Orphanet 154, MedGen C1858763, MONDO:0011400, OMIM 604145.
Autosomal recessive limb-girdle muscular dystrophy type 2J (LGMDR10). Also called: Limb-girdle muscular dystrophy, type 2J; MUSCULAR DYSTROPHY, LIMB-GIRDLE, AUTOSOMAL RECESSIVE 10. Identifiers: Orphanet 140922, MedGen C1837342, MONDO:0012127, OMIM 608807.

Submission:

Labcorp Genetics (formerly Invitae), Labcorp
Classification: Likely pathogenic for Dilated cardiomyopathy 1G; Autosomal recessive limb-girdle muscular dystrophy type 2J. Last evaluated: 2024-08-08. Review status: criteria provided, single submitter. Criteria: Invitae Variant Classification Sherloc (09022015). Collection method: clinical testing. Allele origin: germline.
Comment: This sequence change creates a premature translational stop signal (p.Pro33596Thrfs*2) in the TTN gene. While this is not anticipated to result in nonsense mediated decay, it is expected to create a truncated TTN protein. This variant is not present in population databases (gnomAD no frequency). This variant has not been reported in the literature in individuals affected with TTN-related conditions. This variant is located in the M band of TTN (PMID: 25589632). Truncating variants in this region have been previously reported in individuals affected with autosomal recessive myopathy and muscular dystrophy (PMID: 18948003, 23975875, 24395473). Truncating variants in this region have also been identified in individuals affected with autosomal dominant dilated cardiomyopathy and/or cardio-related conditions (PMID: 27869827, 32964742, Invitae internal data). In summary, the currently available evidence indicates that the variant is pathogenic, but additional data are needed to prove that conclusively. Therefore, this variant has been classified as Likely Pathogenic.

Literature cited by the submitters: PubMed 25589632; PubMed 18948003; PubMed 23975875; PubMed 24395473; PubMed 27869827; PubMed 32964742.

NM_001267550.2(TTN):c.100785dup (p.Pro33596fs)

Genes: TTN-AS1 (TTN antisense RNA 1; plus strand), TTN (titin; minus strand). Cytogenetic location: 2q31.2.
Variant type: Duplication.
Coding change: c.100785dup on transcript NM_001267550.2 (MANE Select); coding-DNA position 100785, one base duplicated (A; older notation c.100785dupA).
Protein change: p.Pro33596fs; shifts the reading frame from proline 33596.
Molecular consequence: frameshift variant.
Genome position (GRCh38, 1-based): chr2:178,535,830, T duplicated on the plus strand (A on the coding strand, the reverse complement: TTN is on the minus strand). VCF-style (leftmost placement, unchanged base first): chr2-178535829-G-GT. GRCh37 (hg19) VCF-style: chr2-179400556-G-GT.
Other names: c.95862dup, p.Pro31955fs (NM_001256850.1); c.73590dup, p.Pro24531fs (NM_003319.4); c.93081dup, p.Pro31028fs (NM_133378.4); c.73965dup, p.Pro24656fs (NM_133432.3); c.74166dup, p.Pro24723fs (NM_133437.4); short protein forms P24531fs, P24656fs, P24723fs, P31028fs, P31955fs, P33596fs.
Identifiers: ClinVar variation 3757602 (VCV003757602.2).